The following is an entry in ClinVar:

NM_000944.5(PPP3CA):c.181G>A (p.Ala61Thr)

Gene: PPP3CA (protein phosphatase 3 catalytic subunit alpha; minus strand). Cytogenetic location: 4q24.
Variant type: single nucleotide variant.
Coding change: c.181G>A on transcript NM_000944.5 (MANE Select); coding-DNA position 181, G replaced by A.
Protein change: p.Ala61Thr; replaces alanine 61 with threonine.
Molecular consequence: missense variant.
Genome position (GRCh38, 1-based): chr4:101,195,994, C>T on the plus strand (G>A on the coding strand, the complement: PPP3CA is on the minus strand). VCF-style: chr4-101195994-C-T. GRCh37 (hg19) VCF-style: chr4-102117151-C-T.
Other names: c.181G>A, p.Ala61Thr (NM_001130691.2, NM_001130692.2); short protein forms A61T.
Identifiers: ClinVar variation 2700728 (VCV002700728.3), dbSNP rs368190241, ClinGen allele CA102987404.

ClinVar aggregate classification (germline): Uncertain significance (1 of 4 stars; one submission).

Allele frequency attached by ClinVar (database versions not stated): ESP Exome Variant Server 0.00008.

Submission:

Labcorp Genetics (formerly Invitae), Labcorp
Classification: Uncertain significance. Last evaluated: 2023-12-03. Review status: criteria provided, single submitter. Criteria: Invitae Variant Classification Sherloc (09022015). Collection method: clinical testing. Allele origin: germline.
Comment: This sequence change replaces alanine, which is neutral and non-polar, with threonine, which is neutral and polar, at codon 61 of the PPP3CA protein (p.Ala61Thr). This variant is not present in population databases (gnomAD no frequency). This variant has not been reported in the literature in individuals affected with PPP3CA-related conditions. Advanced modeling of protein sequence and biophysical properties (such as structural, functional, and spatial information, amino acid conservation, physicochemical variation, residue mobility, and thermodynamic stability) performed at Invitae indicates that this missense variant is not expected to disrupt PPP3CA protein function with a negative predictive value of 80%. In summary, the available evidence is currently insufficient to determine the role of this variant in disease. Therefore, it has been classified as a Variant of Uncertain Significance.